The following is an entry in ClinVar:

NM_001367624.2(ZNF469):c.6980C>T (p.Ser2327Phe)

Gene: ZNF469 (zinc finger protein 469; plus strand). Cytogenetic location: 16q24.2.
Variant type: single nucleotide variant.
Coding change: c.6980C>T on transcript NM_001367624.2 (MANE Select); coding-DNA position 6980, C replaced by T.
Protein change: p.Ser2327Phe; replaces serine 2327 with phenylalanine.
Molecular consequence: missense variant.
Genome position (GRCh38, 1-based): chr16:88,434,450, C>T. VCF-style: chr16-88434450-C-T. GRCh37 (hg19) VCF-style: chr16-88500858-C-T.
Other names: NM_001127464.1:c.6896C>T; short protein forms S2327F.
Identifiers: ClinVar variation 3987306 (VCV003987306.1).

ClinVar aggregate classification (germline): Uncertain significance (1 of 4 stars; one submission).

Conditions:
Cardiovascular phenotype. Identifiers: MedGen CN230736.

Submission:

Ambry Genetics
Classification: Uncertain significance for Cardiovascular phenotype. Last evaluated: 2025-03-25. Review status: criteria provided, single submitter. Criteria: Ambry Variant Classification Scheme 2023. Collection method: clinical testing. Allele origin: germline.
Comment: The p.S2299F variant (also known as c.6896C>T), located in coding exon 2 of the ZNF469 gene, results from a C to T substitution at nucleotide position 6896. The serine at codon 2299 is replaced by phenylalanine, an amino acid with highly dissimilar properties. This amino acid position is conserved. In addition, this alteration is predicted to be tolerated by in silico analysis. Based on the available evidence, the clinical significance of this variant remains unclear.